The following is an entry in ClinVar:

ClinVar aggregate classification (germline): Uncertain significance (1 of 4 stars; one submission).

Submission:

Labcorp Genetics (formerly Invitae), Labcorp
Classification: Uncertain significance. Last evaluated: 2025-08-25. Review status: criteria provided, single submitter. Criteria: Invitae Variant Classification Sherloc (09022015). Collection method: clinical testing. Allele origin: germline.
Comment: This sequence change replaces proline, which is neutral and non-polar, with alanine, which is neutral and non-polar, at codon 1368 of the FLNB protein (p.Pro1368Ala). This variant is not present in population databases (gnomAD no frequency). This variant has not been reported in the literature in individuals affected with FLNB-related conditions. Invitae Evidence Modeling of protein sequence and biophysical properties (such as structural, functional, and spatial information, amino acid conservation, physicochemical variation, residue mobility, and thermodynamic stability) indicates that this missense variant is not expected to disrupt FLNB protein function with a negative predictive value of 80%. In summary, the available evidence is currently insufficient to determine the role of this variant in disease. Therefore, it has been classified as a Variant of Uncertain Significance.

NM_001457.4(FLNB):c.4102C>G (p.Pro1368Ala)

Gene: FLNB (filamin B; plus strand). Cytogenetic location: 3p14.3.
Variant type: single nucleotide variant.
Coding change: c.4102C>G on transcript NM_001457.4 (MANE Select); coding-DNA position 4102, C replaced by G.
Protein change: p.Pro1368Ala; replaces proline 1368 with alanine.
Molecular consequence: missense variant.
Genome position (GRCh38, 1-based): chr3:58,126,642, C>G. VCF-style: chr3-58126642-C-G. GRCh37 (hg19) VCF-style: chr3-58112369-C-G.
Other names: c.4102C>G, p.Pro1368Ala (NM_001164317.2, NM_001164318.2, NM_001164319.2); short protein forms P1368A.
Identifiers: ClinVar variation 4762458 (VCV004762458.1).